The following is an entry in ClinVar:

ClinVar aggregate classification (germline): Conflicting classifications of pathogenicity. Review status: criteria provided, conflicting classifications (1 of 4 stars). 2 submissions from 2 submitters: Uncertain significance (1); Likely benign (1). Last evaluated 2025-05-15.

Conditions:
Hereditary cancer-predisposing syndrome. Also called: Hereditary neoplastic syndrome; Neoplastic Syndromes, Hereditary; Tumor predisposition; Hereditary Cancer Syndrome. Identifiers: Orphanet 140162, MedGen C0027672, MeSH D009386, MONDO:0015356.
Hereditary breast ovarian cancer syndrome. Also called: Hereditary breast and ovarian cancer syndrome (HBOC); Breast and ovarian cancer; Hereditary breast and/or ovarian cancer syndrome; BRCA1- and BRCA2-Associated Hereditary Breast and Ovarian Cancer; Hereditary breast and ovarian cancer syndrome; Hereditary breast and ovarian cancer. Identifiers: Orphanet 145, MedGen C0677776, MeSH D061325, MONDO:0003582. Disease mechanism: loss of function.

Submissions (2):

Ambry Genetics
Classification: Likely benign for Hereditary cancer-predisposing syndrome. Last evaluated: 2025-05-15. Review status: criteria provided, single submitter. Criteria: Ambry Variant Classification Scheme 2023. Collection method: clinical testing. Allele origin: germline.

Labcorp Genetics (formerly Invitae), Labcorp
Classification: Uncertain significance for Hereditary breast ovarian cancer syndrome. Last evaluated: 2021-03-22. Review status: criteria provided, single submitter. Criteria: Invitae Variant Classification Sherloc (09022015). Collection method: clinical testing. Allele origin: germline.
Comment: This sequence change replaces tyrosine with cysteine at codon 2839 of the BRCA2 protein (p.Tyr2839Cys). The tyrosine residue is moderately conserved and there is a large physicochemical difference between tyrosine and cysteine. This variant is not present in population databases (ExAC no frequency). This variant has not been reported in the literature in individuals with BRCA2-related conditions. ClinVar contains an entry for this variant (Variation ID: 185477). Algorithms developed to predict the effect of missense changes on protein structure and function output the following: SIFT: "Tolerated"; PolyPhen-2: "Benign"; Align-GVGD: "Class C0". The cysteine amino acid residue is found in multiple mammalian species, suggesting that this missense change does not adversely affect protein function. These predictions have not been confirmed by published functional studies and their clinical significance is uncertain. In summary, the available evidence is currently insufficient to determine the role of this variant in disease. Therefore, it has been classified as a Variant of Uncertain Significance.

NM_000059.4(BRCA2):c.8516A>G (p.Tyr2839Cys)

Gene: BRCA2 (BRCA2 DNA repair associated; plus strand). Cytogenetic location: 13q13.1.
Variant type: single nucleotide variant.
Coding change: c.8516A>G on transcript NM_000059.4 (MANE Select); coding-DNA position 8516, A replaced by G.
Protein change: p.Tyr2839Cys; replaces tyrosine 2839 with cysteine.
Molecular consequence: missense variant.
Genome position (GRCh38, 1-based): chr13:32,370,984, A>G. VCF-style: chr13-32370984-A-G. GRCh37 (hg19) VCF-style: chr13-32945121-A-G.
Other names: short protein forms Y2839C.
Identifiers: ClinVar variation 185477 (VCV000185477.15), dbSNP rs786202204, ClinGen allele CA025689.